The following is an entry in ClinVar:

ClinVar aggregate classification (germline): Uncertain significance (1 of 4 stars; one submission).

gnomAD v4.1: 3 of 1,612,674 alleles (0.00019%); highest among the groups gnomAD compares: East Asian, 0.0045%; no homozygotes.

Submission:

Labcorp Genetics (formerly Invitae), Labcorp
Classification: Uncertain significance. Last evaluated: 2024-08-31. Review status: criteria provided, single submitter. Criteria: Invitae Variant Classification Sherloc (09022015). Collection method: clinical testing. Allele origin: germline.
Comment: This sequence change falls in intron 10 of the DEAF1 gene. It does not directly change the encoded amino acid sequence of the DEAF1 protein. It affects a nucleotide within the consensus splice site. This variant is not present in population databases (gnomAD no frequency). This variant has not been reported in the literature in individuals affected with DEAF1-related conditions. Variants that disrupt the consensus splice site are a relatively common cause of aberrant splicing (PMID: 17576681, 9536098). Algorithms developed to predict the effect of sequence changes on RNA splicing suggest that this variant is not likely to affect RNA splicing. In summary, the available evidence is currently insufficient to determine the role of this variant in disease. Therefore, it has been classified as a Variant of Uncertain Significance.

Literature cited by the submitters: PubMed 17576681; PubMed 9536098.

NM_021008.4(DEAF1):c.1504-3C>T

Gene: DEAF1 (DEAF1 transcription factor; minus strand). Cytogenetic location: 11p15.5.
Variant type: single nucleotide variant.
Coding change: c.1504-3C>T on transcript NM_021008.4 (MANE Select); 3 bases into the intron before coding-DNA position 1504, C replaced by T.
Molecular consequence: intron variant.
Genome position (GRCh38, 1-based): chr11:654,054, G>A on the plus strand (C>T on the coding strand, the complement: DEAF1 is on the minus strand). VCF-style: chr11-654054-G-A. GRCh37 (hg19) VCF-style: chr11-654054-G-A.
Other names: c.778-3C>T (NM_001367390.1, NM_001440885.1, NM_001440887.1 and 1 more transcripts); c.1279-3C>T (NM_001293634.2); c.1375-3C>T (NM_001440884.1); c.1504-9400C>T (NM_001440883.1).
Identifiers: ClinVar variation 2996832 (VCV002996832.3), dbSNP rs1319038934, ClinGen allele CA679306038.